The following is an entry in ClinVar:

NM_000322.5(PRPH2):c.561T>A (p.Phe187Leu)

Gene: PRPH2 (peripherin 2; minus strand). Cytogenetic location: 6p21.1.
Variant type: single nucleotide variant.
Coding change: c.561T>A on transcript NM_000322.5 (MANE Select); coding-DNA position 561, T replaced by A.
Protein change: p.Phe187Leu; replaces phenylalanine 187 with leucine.
Molecular consequence: missense variant.
Genome position (GRCh38, 1-based): chr6:42,721,774, A>T on the plus strand (T>A on the coding strand, the complement: PRPH2 is on the minus strand). VCF-style: chr6-42721774-A-T. GRCh37 (hg19) VCF-style: chr6-42689512-A-T.
Other names: short protein forms F187L.
Identifiers: ClinVar variation 3014610 (VCV003014610.3), dbSNP rs1761905423, ClinGen allele CA364137211.

ClinVar aggregate classification (germline): Uncertain significance (1 of 4 stars; one submission).

Conditions:
PRPH2-related disorder. Also called: PRPH2-related disorders; PRPH2-related condition. Identifiers: MedGen CN239395.

gnomAD v4.1: 1 of 1,614,218 alleles (0.000062%); highest among the groups gnomAD compares: Non-Finnish European, 0.000085%; no homozygotes.

Submission:

Labcorp Genetics (formerly Invitae), Labcorp
Classification: Uncertain significance for PRPH2-related disorder. Last evaluated: 2023-12-28. Review status: criteria provided, single submitter. Criteria: Invitae Variant Classification Sherloc (09022015). Collection method: clinical testing. Allele origin: germline.
Comment: This sequence change replaces phenylalanine, which is neutral and non-polar, with leucine, which is neutral and non-polar, at codon 187 of the PRPH2 protein (p.Phe187Leu). This variant is not present in population databases (gnomAD no frequency). This variant has not been reported in the literature in individuals affected with PRPH2-related conditions. Advanced modeling of protein sequence and biophysical properties (such as structural, functional, and spatial information, amino acid conservation, physicochemical variation, residue mobility, and thermodynamic stability) performed at Invitae indicates that this missense variant is not expected to disrupt PRPH2 protein function with a negative predictive value of 95%. In summary, the available evidence is currently insufficient to determine the role of this variant in disease. Therefore, it has been classified as a Variant of Uncertain Significance.